The following is an entry in ClinVar:

ClinVar aggregate classification (germline): Conflicting classifications of pathogenicity. Review status: criteria provided, conflicting classifications (1 of 4 stars). 3 submissions from 3 submitters: Uncertain significance (2); Likely benign (1). Last evaluated 2026-04-30.

Conditions:
Autosomal recessive limb-girdle muscular dystrophy type 2J (LGMDR10). Also called: Limb-girdle muscular dystrophy, type 2J; MUSCULAR DYSTROPHY, LIMB-GIRDLE, AUTOSOMAL RECESSIVE 10. Identifiers: Orphanet 140922, MedGen C1837342, MONDO:0012127, OMIM 608807.
Dilated cardiomyopathy 1G (CMD1G). Identifiers: Orphanet 154, MedGen C1858763, MONDO:0011400, OMIM 604145.
TTN-related disorder. Also called: TTN-related condition; TTN-related disease; TTN-related disorders.

Allele frequency attached by ClinVar (database versions not stated): ExAC 0.00001; gnomAD exomes 0.00002; TOPMed 0.00002; ESP Exome Variant Server 0.00008.
gnomAD v4.1: 26 of 1,613,784 alleles (0.0016%); highest among the groups gnomAD compares: South Asian, 0.0022%; no homozygotes.

Submissions (3):

PreventionGenetics, part of Exact Sciences
Classification: Uncertain significance for TTN-related condition. Last evaluated: 2026-04-30. Review status: criteria provided, single submitter. Criteria: ACMG Guidelines, 2015. Collection method: clinical testing. Allele origin: germline.
Comment: The TTN c.101237G>A variant is predicted to result in the amino acid substitution p.Arg33746His. To our knowledge, this variant has not been reported in the literature. This variant is reported in 0.0033% of alleles in individuals of South Asian descent in gnomAD. At this time, the clinical significance of this variant is uncertain due to the absence of conclusive functional and genetic evidence.

Labcorp Genetics (formerly Invitae), Labcorp
Classification: Uncertain significance for Dilated cardiomyopathy 1G; Autosomal recessive limb-girdle muscular dystrophy type 2J. Last evaluated: 2026-01-05. Review status: criteria provided, single submitter. Criteria: Invitae Variant Classification Sherloc (09022015). Collection method: clinical testing. Allele origin: germline.
Comment: This sequence change replaces arginine, which is basic and polar, with histidine, which is basic and polar, at codon 33746 of the TTN protein (p.Arg33746His). This variant is present in population databases (rs372584865, gnomAD 0.003%). This variant has not been reported in the literature in individuals affected with TTN-related conditions. ClinVar contains an entry for this variant (Variation ID: 839211). An algorithm developed to predict the effect of missense changes on protein structure and function outputs the following: PolyPhen-2: "Not Available". The histidine amino acid residue is found in multiple mammalian species, which suggests that this missense change does not adversely affect protein function. This variant is located in the M band of TTN (PMID: 25589632). Non-truncating variants in this region may be relevant for neuromuscular disorders, but have not been definitively shown to cause cardiomyopathy (PMID: 23975875). In summary, the available evidence is currently insufficient to determine the role of this variant in disease. Therefore, it has been classified as a Variant of Uncertain Significance.

Blueprint Genetics
Classification: Likely benign. Last evaluated: 2024-05-21. Review status: criteria provided, single submitter. Criteria: ACMG Guidelines, 2015. Collection method: clinical testing. Allele origin: germline.

Literature cited by the submitters: PubMed 25589632 (cited by Labcorp Genetics (formerly Invitae), Labcorp); PubMed 23975875 (cited by Labcorp Genetics (formerly Invitae), Labcorp).

NM_001267550.2(TTN):c.101237G>A (p.Arg33746His)

Genes: TTN (titin; minus strand), TTN-AS1 (TTN antisense RNA 1; plus strand). Cytogenetic location: 2q31.2.
Variant type: single nucleotide variant.
Coding change: c.101237G>A on transcript NM_001267550.2 (MANE Select); coding-DNA position 101237, G replaced by A.
Protein change: p.Arg33746His; replaces arginine 33746 with histidine.
Molecular consequence: missense variant.
Genome position (GRCh38, 1-based): chr2:178,535,378, C>T on the plus strand (G>A on the coding strand, the complement: TTN is on the minus strand). VCF-style: chr2-178535378-C-T. GRCh37 (hg19) VCF-style: chr2-179400105-C-T.
Other names: c.96314G>A, p.Arg32105His (NM_001256850.1); c.74042G>A, p.Arg24681His (NM_003319.4); c.93533G>A, p.Arg31178His (NM_133378.4); c.74417G>A, p.Arg24806His (NM_133432.3); c.74618G>A, p.Arg24873His (NM_133437.4); short protein forms R24873H, R32105H, R33746H, R31178H, R24681H, R24806H.
Identifiers: ClinVar variation 839211 (VCV000839211.8), dbSNP rs372584865, ClinGen allele CA1985914.
Genomic context (GRCh38, chr2:178,535,378, plus strand): 5'-TTTTCAGCTATTACCCGGAACTGGTAACTTGTTTTTCCAAATAAGTTGATCACGGTATAA[C>T]GTGTTTCTCGGGCCTGTCCTACACGGAGCCATCTTTCTGCAGTAGTTGCACATTTTTCAA-3'
Protein context (NP_001254479.2, residues 33736-33756): WLRVGQARET[Arg33746His]YTVINLFGKT